The following is an entry in ClinVar:

NM_002439.5(MSH3):c.1992del (p.Gln664fs)

Gene: MSH3 (mutS homolog 3; plus strand). Cytogenetic location: 5q14.1.
Variant type: Deletion.
Coding change: c.1992del on transcript NM_002439.5 (MANE Select); coding-DNA position 1992, one base deleted (G; older notation c.1992delG).
Protein change: p.Gln664fs; shifts the reading frame from glutamine 664.
Molecular consequence: frameshift variant.
Genome position (GRCh38, 1-based): chr5:80,768,028, G deleted. VCF-style (leftmost placement, unchanged base first): chr5-80768027-AG-A. GRCh37 (hg19) VCF-style: chr5-80063846-AG-A.
Other names: short protein forms Q664fs.
Identifiers: ClinVar variation 1076787 (VCV001076787.10), dbSNP rs1328242717, ClinGen allele CA814452007.

ClinVar aggregate classification (germline): Pathogenic. Review status: criteria provided, multiple submitters, no conflicts (2 of 4 stars). 3 submissions from 3 submitters: Pathogenic (3). Last evaluated 2025-08-29.

Conditions:
Familial adenomatous polyposis 4 (FAP4). Also called: MSH3-related attenuated familial adenomatous polyposis. Identifiers: Orphanet 480536, MedGen C4310719, MONDO:0044300, OMIM 617100.
Hereditary cancer-predisposing syndrome. Also called: Tumor predisposition; Hereditary neoplastic syndrome; Neoplastic Syndromes, Hereditary; Hereditary Cancer Syndrome. Identifiers: Orphanet 140162, MedGen C0027672, MeSH D009386, MONDO:0015356.

Allele frequency attached by ClinVar (database versions not stated): TOPMed below 0.00001; gnomAD 0.00001.

Submissions (3):

Labcorp Genetics (formerly Invitae), Labcorp
Classification: Pathogenic. Last evaluated: 2025-08-29. Review status: criteria provided, single submitter. Criteria: Invitae Variant Classification Sherloc (09022015). Collection method: clinical testing. Allele origin: germline.
Comment: This sequence change creates a premature translational stop signal (p.Gln664Hisfs*10) in the MSH3 gene. It is expected to result in an absent or disrupted protein product. Loss-of-function variants in MSH3 are known to be pathogenic (PMID: 27476653, 37402566). This variant is not present in population databases (gnomAD no frequency). This variant has not been reported in the literature in individuals affected with MSH3-related conditions. ClinVar contains an entry for this variant (Variation ID: 1076787). For these reasons, this variant has been classified as Pathogenic.

Myriad Genetics, Inc.
Classification: Pathogenic for Familial adenomatous polyposis 4. Last evaluated: 2023-08-30. Review status: criteria provided, single submitter. Criteria: Myriad Autosomal Dominant, Autosomal Recessive and X-Linked Classification Criteria (2023). Collection method: clinical testing. Allele origin: unknown.
Comment: This variant is considered pathogenic. This variant creates a frameshift predicted to result in premature protein truncation.

Ambry Genetics
Classification: Pathogenic for Hereditary cancer-predisposing syndrome. Last evaluated: 2019-10-02. Review status: criteria provided, single submitter. Criteria: Ambry Variant Classification Scheme 2023. Collection method: clinical testing. Allele origin: germline.
Comment: The c.1992delG pathogenic mutation, located in coding exon 14 of the MSH3 gene, results from a deletion of one nucleotide at nucleotide position 1992, causing a translational frameshift with a predicted alternate stop codon (p.Q664Hfs*10). This alteration is expected to result in loss of function by premature protein truncation or nonsense-mediated mRNA decay. As such, this alteration is interpreted as a disease-causing mutation.

Literature cited by the submitters: PubMed 27476653 (cited by Labcorp Genetics (formerly Invitae), Labcorp); PubMed 37402566 (cited by Labcorp Genetics (formerly Invitae), Labcorp).